The following is an entry in ClinVar:

ClinVar aggregate classification (germline): Uncertain significance (1 of 4 stars; one submission).

Conditions:
Cohen syndrome (COH1). Also called: PEPPER SYNDROME; Cutis verticis gyrata, retinitis pigmentosa, and sensorineural deafness. Identifiers: Orphanet 193, MedGen C0265223, MONDO:0008999, OMIM 216550.

gnomAD v4.1: 1 of 1,613,894 alleles (0.000062%); no homozygotes.

Submission:

Labcorp Genetics (formerly Invitae), Labcorp
Classification: Uncertain significance for Cohen syndrome. Last evaluated: 2018-10-04. Review status: criteria provided, single submitter. Criteria: Invitae Variant Classification Sherloc (09022015). Collection method: clinical testing. Allele origin: germline.
Comment: Algorithms developed to predict the effect of missense changes on protein structure and function (SIFT, PolyPhen-2, Align-GVGD) all suggest that this variant is likely to be tolerated, but these predictions have not been confirmed by published functional studies and their clinical significance is uncertain. In summary, the available evidence is currently insufficient to determine the role of this variant in disease. Therefore, it has been classified as a Variant of Uncertain Significance. This variant has not been reported in the literature in individuals with VPS13B-related disease. This variant is not present in population databases (ExAC no frequency). This sequence change replaces alanine with proline at codon 2053 of the VPS13B protein (p.Ala2053Pro). The alanine residue is weakly conserved and there is a small physicochemical difference between alanine and proline.

NM_152564.5(VPS13B):c.6082G>C (p.Ala2028Pro)

Gene: VPS13B (vacuolar protein sorting 13 homolog B; plus strand). Cytogenetic location: 8q22.2.
Variant type: single nucleotide variant.
Coding change: c.6082G>C on transcript NM_152564.5 (MANE Select); coding-DNA position 6082, G replaced by C.
Protein change: p.Ala2028Pro; replaces alanine 2028 with proline.
Molecular consequence: missense variant.
Genome position (GRCh38, 1-based): chr8:99,699,560, G>C. VCF-style: chr8-99699560-G-C. GRCh37 (hg19) VCF-style: chr8-100711788-G-C.
Other names: c.6157G>C, p.Ala2053Pro (NM_017890.5); short protein forms A2053P, A2028P.
Identifiers: ClinVar variation 640634 (VCV000640634.7), dbSNP rs1310217789, ClinGen allele CA371873933.